The following is an entry in ClinVar:

NM_019098.5(CNGB3):c.917C>A (p.Ser306Ter)

Gene: CNGB3 (cyclic nucleotide gated channel subunit beta 3; minus strand). Cytogenetic location: 8q21.3.
Variant type: single nucleotide variant.
Coding change: c.917C>A on transcript NM_019098.5 (MANE Select); coding-DNA position 917, C replaced by A.
Protein change: p.Ser306Ter; replaces serine 306 with a stop codon.
Molecular consequence: nonsense.
Genome position (GRCh38, 1-based): chr8:86,647,874, G>T on the plus strand (C>A on the coding strand, the complement: CNGB3 is on the minus strand). VCF-style: chr8-86647874-G-T. GRCh37 (hg19) VCF-style: chr8-87660102-G-T.
Other names: short protein forms S306*.
Identifiers: ClinVar variation 1072138 (VCV001072138.7), dbSNP rs2131597459, ClinGen allele CA371448292.

ClinVar aggregate classification (germline): Pathogenic (1 of 4 stars; one submission).

Submission:

Labcorp Genetics (formerly Invitae), Labcorp
Classification: Pathogenic. Last evaluated: 2020-01-20. Review status: criteria provided, single submitter. Criteria: Invitae Variant Classification Sherloc (09022015). Collection method: clinical testing. Allele origin: germline.
Comment: This variant has not been reported in the literature in individuals with CNGB3-related conditions. Loss-of-function variants in CNGB3 are known to be pathogenic (PMID: 28795510). For these reasons, this variant has been classified as Pathogenic. This variant is not present in population databases (ExAC no frequency). This sequence change creates a premature translational stop signal (p.Ser306*) in the CNGB3 gene. It is expected to result in an absent or disrupted protein product.

Literature cited by the submitters: PubMed 28795510.